The following is an entry in ClinVar:

NM_145200.5(CABP4):c.608C>T (p.Ala203Val)

Gene: CABP4 (calcium binding protein 4; plus strand). Cytogenetic location: 11q13.2.
Variant type: single nucleotide variant.
Coding change: c.608C>T on transcript NM_145200.5 (MANE Select); coding-DNA position 608, C replaced by T.
Protein change: p.Ala203Val; replaces alanine 203 with valine.
Molecular consequence: missense variant. On other transcripts: non-coding transcript variant (1).
Genome position (GRCh38, 1-based): chr11:67,457,639, C>T. VCF-style: chr11-67457639-C-T. GRCh37 (hg19) VCF-style: chr11-67225110-C-T.
Other names: c.608C>T (NM_145200.3); c.293C>T, p.Ala98Val (NM_001300895.3, NM_001300896.3, NM_001379183.1); short protein forms A203V, A98V.
Identifiers: ClinVar variation 1055146 (VCV001055146.9), dbSNP rs140655456, ClinGen allele CA6140290.

ClinVar aggregate classification (germline): Uncertain significance. Review status: criteria provided, multiple submitters, no conflicts (2 of 4 stars). 3 submissions from 3 submitters: Uncertain significance (3). Last evaluated 2025-08-12.

Conditions:
Inborn genetic diseases. Identifiers: MedGen C0950123, MeSH D030342.

Allele frequency attached by ClinVar (database versions not stated): gnomAD 0.00001; gnomAD exomes 0.00002 and 0.00003; TOPMed 0.00003; ExAC 0.00009; ESP Exome Variant Server 0.00023.
gnomAD v4.1: 35 of 1,604,654 alleles (0.0022%); highest among the groups gnomAD compares: Non-Finnish European, 0.0025%; no homozygotes.

Submissions (3):

Ambry Genetics
Classification: Uncertain significance for Inborn genetic diseases. Last evaluated: 2025-08-12. Review status: criteria provided, single submitter. Criteria: Ambry Variant Classification Scheme 2023. Collection method: clinical testing. Allele origin: germline.

Blueprint Genetics
Classification: Uncertain significance. Last evaluated: 2024-07-22. Review status: criteria provided, single submitter. Criteria: ACMG Guidelines, 2015. Collection method: clinical testing. Allele origin: germline.

Labcorp Genetics (formerly Invitae), Labcorp
Classification: Uncertain significance. Last evaluated: 2022-08-16. Review status: criteria provided, single submitter. Criteria: Invitae Variant Classification Sherloc (09022015). Collection method: clinical testing. Allele origin: germline.
Comment: In summary, the available evidence is currently insufficient to determine the role of this variant in disease. Therefore, it has been classified as a Variant of Uncertain Significance. Algorithms developed to predict the effect of sequence changes on RNA splicing suggest that this variant may create or strengthen a splice site. Advanced modeling of protein sequence and biophysical properties (such as structural, functional, and spatial information, amino acid conservation, physicochemical variation, residue mobility, and thermodynamic stability) performed at Invitae indicates that this missense variant is not expected to disrupt CABP4 protein function. ClinVar contains an entry for this variant (Variation ID: 1055146). This variant has not been reported in the literature in individuals affected with CABP4-related conditions. The frequency data for this variant in the population databases is considered unreliable, as metrics indicate poor data quality at this position in the gnomAD database. This sequence change replaces alanine, which is neutral and non-polar, with valine, which is neutral and non-polar, at codon 203 of the CABP4 protein (p.Ala203Val).